The following is an entry in ClinVar:

ClinVar aggregate classification (germline): Benign. Review status: criteria provided, multiple submitters, no conflicts (2 of 4 stars). 4 submissions from 4 submitters: Benign (4). Last evaluated 2026-02-01.

Conditions:
Nicolaides-Baraitser syndrome (NCBRS). Also called: SMARCA2-Related Nicolaides-Baraitser Syndrome; Intellectual disability-sparse hair-brachydactyly syndrome. Identifiers: Orphanet 3051, MedGen C1303073, MONDO:0011053, OMIM 601358.

Allele frequency attached by ClinVar (database versions not stated): 1000 Genomes Project 0.01058; 1000 Genomes Project 30x 0.01093; TOPMed 0.02473; ESP Exome Variant Server 0.02753.

Submissions (4):

Labcorp Genetics (formerly Invitae), Labcorp
Classification: Benign. Last evaluated: 2026-02-01. Review status: criteria provided, single submitter. Criteria: Invitae Variant Classification Sherloc (09022015). Collection method: clinical testing. Allele origin: germline.

Mayo Clinic Laboratories, Mayo Clinic
Classification: Benign. Last evaluated: 2023-04-05. Review status: criteria provided, single submitter. Criteria: ACMG Guidelines, 2015. Collection method: clinical testing. Allele origin: germline. Observed: 12 variant alleles.
Comment: BS1, BS2, BP4, BP7

Illumina Laboratory Services, Illumina
Classification: Benign for Nicolaides-Baraitser syndrome. Last evaluated: 2018-01-12. Review status: criteria provided, single submitter. Criteria: ICSL Variant Classification Criteria 13 December 2019. Collection method: clinical testing. Allele origin: germline.
Comment: This variant was observed in the ICSL laboratory as part of a predisposition screen in an ostensibly healthy population. It had not been previously curated by ICSL or reported in the Human Gene Mutation Database (HGMD: prior to June 1st, 2018), and was therefore a candidate for classification through an automated scoring system. Utilizing variant allele frequency, disease prevalence and penetrance estimates, and inheritance mode, an automated score was calculated to assess if this variant is too frequent to cause the disease. Based on the score and internal cut-off values, a variant classified as benign is not then subjected to further curation. The score for this variant resulted in a classification of benign for this disease.

Breakthrough Genomics
Classification: Benign. Review status: criteria provided, single submitter. Criteria: ACMG Guidelines, 2015. Collection method: not provided. Allele origin: germline. Inheritance: Autosomal dominant inheritance. Affected: yes.

NM_003070.5(SMARCA2):c.2991+10G>A

Gene: SMARCA2 (SWI/SNF related BAF chromatin remodeling complex subunit ATPase 2; plus strand). Cytogenetic location: 9p24.3.
Variant type: single nucleotide variant.
Coding change: c.2991+10G>A on transcript NM_003070.5 (MANE Select); 10 bases into the intron after coding-DNA position 2991, G replaced by A.
Molecular consequence: intron variant.
Genome position (GRCh38, 1-based): chr9:2,096,774, G>A. VCF-style: chr9-2096774-G-A. GRCh37 (hg19) VCF-style: chr9-2096774-G-A.
Other names: p.?; c.2991+10G>A (NM_139045.4, NM_001289396.2); c.2817+10G>A (NM_001289397.2).
Identifiers: ClinVar variation 366216 (VCV000366216.14), dbSNP rs17712152, ClinGen allele CA4963619.